The following is an entry in ClinVar:

NM_001244008.2(KIF1A):c.2990C>A (p.Ala997Asp)

Gene: KIF1A (kinesin family member 1A; minus strand). Cytogenetic location: 2q37.3.
Variant type: single nucleotide variant.
Coding change: c.2990C>A on transcript NM_001244008.2 (MANE Select); coding-DNA position 2990, C replaced by A.
Protein change: p.Ala997Asp; replaces alanine 997 with aspartic acid.
Molecular consequence: missense variant.
Genome position (GRCh38, 1-based): chr2:240,747,309, G>T on the plus strand (C>A on the coding strand, the complement: KIF1A is on the minus strand). VCF-style: chr2-240747309-G-T. GRCh37 (hg19) VCF-style: chr2-241686726-G-T.
Other names: c.2714C>A, p.Ala905Asp (NM_001320705.2, NM_001330289.2, NM_001379638.1); c.2789C>A, p.Ala930Asp (NM_001330290.2, NM_001379634.1, NM_001379635.1 and 1 more transcripts); c.3065C>A, p.Ala1022Asp (NM_001379631.1); c.2939C>A, p.Ala980Asp (NM_001379632.1); c.2963C>A, p.Ala988Asp (NM_001379633.1, NM_001379642.1, NM_001379645.1); c.2687C>A, p.Ala896Asp (NM_001379636.1, NM_001379639.1, NM_001379640.1 and 7 more transcripts); c.2762C>A, p.Ala921Asp (NM_001379637.1, NM_001379648.1); c.2687C>A (NM_004321.6); short protein forms A930D, A988D, A980D, A896D, A905D, A1022D, A921D, A997D.
Identifiers: ClinVar variation 2092474 (VCV002092474.7), dbSNP rs2537328082, ClinGen allele CA351319421.

ClinVar aggregate classification (germline): Uncertain significance. Review status: criteria provided, multiple submitters, no conflicts (2 of 4 stars). 2 submissions from 2 submitters: Uncertain significance (2). Last evaluated 2023-06-16.

Conditions:
Neuropathy, hereditary sensory, type 2C. Also called: Hereditary sensory and autonomic neuropathy type IIC; KIF1A-Related HSAN2 (HSAN2C). Identifiers: Orphanet 970, MedGen C3280168, MONDO:0013634, OMIM 614213.
Intellectual disability, autosomal dominant 9 (NESCAVS). Also called: NESCAV SYNDROME; KIF1A-Related Neurodevelopmental Disorder. Identifiers: Orphanet 662367, MedGen C5393830, MONDO:0013656, OMIM 614255.
Hereditary spastic paraplegia 30. Identifiers: Orphanet 101010, MedGen C5235139, MONDO:0012476.

Allele frequency attached by ClinVar (database versions not stated): gnomAD exomes 0.00001.
gnomAD v4.1: 3 of 1,613,130 alleles (0.00019%); highest among the groups gnomAD compares: Non-Finnish European, 0.00025%; no homozygotes.

Submissions (2):

Labcorp Genetics (formerly Invitae), Labcorp
Classification: Uncertain significance for Hereditary spastic paraplegia 30; Neuropathy, hereditary sensory, type 2C; Intellectual disability, autosomal dominant 9. Last evaluated: 2023-06-16. Review status: criteria provided, single submitter. Criteria: Invitae Variant Classification Sherloc (09022015). Collection method: clinical testing. Allele origin: germline.
Comment: This variant is not present in population databases (gnomAD no frequency). In summary, the available evidence is currently insufficient to determine the role of this variant in disease. Therefore, it has been classified as a Variant of Uncertain Significance. Advanced modeling of protein sequence and biophysical properties (such as structural, functional, and spatial information, amino acid conservation, physicochemical variation, residue mobility, and thermodynamic stability) has been performed at Invitae for this missense variant, however the output from this modeling did not meet the statistical confidence thresholds required to predict the impact of this variant on KIF1A protein function. ClinVar contains an entry for this variant (Variation ID: 2092474). This variant has not been reported in the literature in individuals affected with KIF1A-related conditions. This sequence change replaces alanine, which is neutral and non-polar, with aspartic acid, which is acidic and polar, at codon 896 of the KIF1A protein (p.Ala896Asp).

Revvity Omics, Revvity
Classification: Uncertain significance. Last evaluated: 2021-02-19. Review status: criteria provided, single submitter. Criteria: ACMG Guidelines, 2015. Collection method: clinical testing. Allele origin: germline.